The following is an entry in ClinVar:

NM_000540.2(RYR1):c.-298A>T

Gene: RYR1 (ryanodine receptor 1; plus strand). Cytogenetic location: 19q13.2.
Variant type: single nucleotide variant.
Coding change: c.-298A>T on transcript NM_000540.2; 298 bases upstream of the start codon, A replaced by T.
Genome position (GRCh38, 1-based): chr19:38,433,532, A>T. VCF-style: chr19-38433532-A-T. GRCh37 (hg19) VCF-style: chr19-38924172-A-T.
Identifiers: ClinVar variation 671187 (VCV000671187.3), dbSNP rs7256843, ClinGen allele CA308101418.
Genomic context (GRCh38, chr19:38,433,532, plus strand): 5'-GGCACGTTACTTACCGTGGTGGGGAGAAAGCGCAGGTACCTCCTAGATACTCTCTCTCCC[A>T]CCCCACCTCCGGCGGCCAACGGCCAAGCAAACCTCCAGCCAAGATTTGGGGTATGTGGGC-3'

ClinVar aggregate classification (germline): Likely benign (1 of 4 stars; one submission).

Allele frequency attached by ClinVar (database versions not stated): 1000 Genomes Project 30x 0.01765; TOPMed 0.01544; gnomAD 0.01334 and 0.01440; 1000 Genomes Project 0.01637.

Submission:

GeneDx
Classification: Likely benign. Last evaluated: 2018-06-16. Review status: criteria provided, single submitter. Criteria: GeneDx Variant Classification (06012015). Collection method: clinical testing. Allele origin: germline. Affected: yes.
Comment: This variant is considered likely benign or benign based on one or more of the following criteria: it is a conservative change, it occurs at a poorly conserved position in the protein, it is predicted to be benign by multiple in silico algorithms, and/or has population frequency not consistent with disease.